The following is an entry in ClinVar:

NM_000808.4(GABRA3):c.1286C>A (p.Thr429Lys)

Gene: GABRA3 (gamma-aminobutyric acid type A receptor subunit alpha3; minus strand). Cytogenetic location: Xq28.
Variant type: single nucleotide variant.
Coding change: c.1286C>A on transcript NM_000808.4 (MANE Select); coding-DNA position 1286, C replaced by A.
Protein change: p.Thr429Lys; replaces threonine 429 with lysine.
Molecular consequence: missense variant.
Genome position (GRCh38, 1-based): chrX:152,168,421, G>T on the plus strand (C>A on the coding strand, the complement: GABRA3 is on the minus strand). VCF-style: chrX-152168421-G-T. GRCh37 (hg19) VCF-style: chrX-151336893-G-T.
Other names: short protein forms T429K.
Identifiers: ClinVar variation 4976260 (VCV004976260.1).

ClinVar aggregate classification (germline): Uncertain significance (1 of 4 stars; one submission).

Submission:

GeneDx
Classification: Uncertain significance. Last evaluated: 2026-02-15. Review status: criteria provided, single submitter. Criteria: GeneDx Variant Classification Process June 2021. Collection method: clinical testing. Allele origin: germline.
Comment: Not observed at significant frequency in large population cohorts (gnomAD); In silico analysis suggests that this missense variant does not alter protein structure/function; Has not been previously published as pathogenic or benign to our knowledge